The following is an entry in ClinVar:

ClinVar aggregate classification (germline): Uncertain significance (1 of 4 stars; one submission).

Conditions:
Creatine transporter deficiency (CCDS1). Also called: CEREBRAL CREATINE DEFICIENCY SYNDROME 1; Mental retardation , X-linked with seizures, short stature and midface hypoplasia; Mental retardation , X-linked, with creatine transport deficiency; X-linked creatine transporter deficiency; X-linked creatine deficiency syndrome; SLC6A8-Related Creatine Transporter Deficiency. Identifiers: Orphanet 52503, MedGen C1845862, MONDO:0010305, OMIM 300352.

Submission:

Labcorp Genetics (formerly Invitae), Labcorp
Classification: Uncertain significance for Creatine transporter deficiency. Last evaluated: 2020-02-17. Review status: criteria provided, single submitter. Criteria: Invitae Variant Classification Sherloc (09022015). Collection method: clinical testing. Allele origin: germline.
Comment: This sequence change falls in intron 1 of the SLC6A8 gene. It does not directly change the encoded amino acid sequence of the SLC6A8 protein, but it affects a nucleotide within the consensus splice site of the intron. This variant is not present in population databases (ExAC no frequency). This variant has not been reported in the literature in individuals with SLC6A8-related conditions. Nucleotide substitutions within the consensus splice site are a relatively common cause of aberrant splicing (PMID: 17576681, 9536098). Algorithms developed to predict the effect of sequence changes on RNA splicing suggest that this variant is not likely to affect RNA splicing, but this prediction has not been confirmed by published transcriptional studies. In summary, the available evidence is currently insufficient to determine the role of this variant in disease. Therefore, it has been classified as a Variant of Uncertain Significance.

Literature cited by the submitters: PubMed 17576681; PubMed 9536098.

NM_005629.4(SLC6A8):c.263-3C>T

Gene: SLC6A8 (solute carrier family 6 member 8; plus strand). Cytogenetic location: Xq28.
Variant type: single nucleotide variant.
Coding change: c.263-3C>T on transcript NM_005629.4 (MANE Select); 3 bases into the intron before coding-DNA position 263, C replaced by T.
Molecular consequence: intron variant.
Genome position (GRCh38, 1-based): chrX:153,690,372, C>T. VCF-style: chrX-153690372-C-T. GRCh37 (hg19) VCF-style: chrX-152955827-C-T.
Other names: c.263-3C>T (NM_001142805.2); c.-83-3C>T (NM_001142806.1).
Identifiers: ClinVar variation 1046582 (VCV001046582.9), dbSNP rs1557044164, ClinGen allele CA645152661.